The following is an entry in ClinVar:

ClinVar aggregate classification (germline): Uncertain significance. Review status: criteria provided, multiple submitters, no conflicts (2 of 4 stars). 2 submissions from 2 submitters: Uncertain significance (2). Last evaluated 2024-11-14.

Conditions:
Inborn genetic diseases. Identifiers: MedGen C0950123, MeSH D030342.

Allele frequency attached by ClinVar (database versions not stated): ExAC 0.00001; gnomAD 0.00002; gnomAD exomes 0.00002 and 0.00004; TOPMed 0.00002; ESP Exome Variant Server 0.00008.
gnomAD v4.1: 62 of 1,613,466 alleles (0.0038%); highest among the groups gnomAD compares: Non-Finnish European, 0.005%; no homozygotes.

Submissions (2):

Ambry Genetics
Classification: Uncertain significance for Inborn genetic diseases. Last evaluated: 2024-11-14. Review status: criteria provided, single submitter. Criteria: Ambry Variant Classification Scheme 2023. Collection method: clinical testing. Allele origin: germline.

Labcorp Genetics (formerly Invitae), Labcorp
Classification: Uncertain significance. Last evaluated: 2023-10-03. Review status: criteria provided, single submitter. Criteria: Invitae Variant Classification Sherloc (09022015). Collection method: clinical testing. Allele origin: germline.
Comment: This sequence change replaces histidine, which is basic and polar, with arginine, which is basic and polar, at codon 1269 of the TUBGCP6 protein (p.His1269Arg). This variant is present in population databases (rs139551127, gnomAD 0.004%). This variant has not been reported in the literature in individuals affected with TUBGCP6-related conditions. ClinVar contains an entry for this variant (Variation ID: 1020328). Algorithms developed to predict the effect of missense changes on protein structure and function output the following: SIFT: "Not Available"; PolyPhen-2: "Possibly Damaging"; Align-GVGD: "Not Available". The arginine amino acid residue is found in multiple mammalian species, which suggests that this missense change does not adversely affect protein function. In summary, the available evidence is currently insufficient to determine the role of this variant in disease. Therefore, it has been classified as a Variant of Uncertain Significance.

NM_020461.4(TUBGCP6):c.3806A>G (p.His1269Arg)

Gene: TUBGCP6 (tubulin gamma complex component 6; minus strand). Cytogenetic location: 22q13.33.
Variant type: single nucleotide variant.
Coding change: c.3806A>G on transcript NM_020461.4 (MANE Select); coding-DNA position 3806, A replaced by G.
Protein change: p.His1269Arg; replaces histidine 1269 with arginine.
Molecular consequence: missense variant.
Genome position (GRCh38, 1-based): chr22:50,220,553, T>C on the plus strand (A>G on the coding strand, the complement: TUBGCP6 is on the minus strand). VCF-style: chr22-50220553-T-C. GRCh37 (hg19) VCF-style: chr22-50658982-T-C.
Other names: c.3806A>G (NM_020461.3); short protein forms H1269R.
Identifiers: ClinVar variation 1020328 (VCV001020328.7), dbSNP rs139551127, ClinGen allele CA10307819.
Genomic context (GRCh38, chr22:50,220,553, plus strand): 5'-TTGGGCTCAGCTTCTGGTGAGAGAGCCCCCAGCACCATGTGGGGCGGAGGGATGGGTACA[T>C]GGGTGTTCCACCGTGGCCGGGTGGAAACCACATCCGACACAGGCTCCCCCAAGCTGATGC-3'
Protein context (NP_065194.3, residues 1259-1279): VVSTRPRWNT[His1269Arg]VPIPPPHMVL